The following is an entry in ClinVar:

NM_004341.5(CAD):c.6587A>G (p.Asp2196Gly)

Genes: CAD (carbamoyl-phosphate synthetase 2, aspartate transcarbamylase, and dihydroorotase; plus strand), LOC126806172 (CDK7 strongly-dependent group 2 enhancer GRCh37_chr2:27465505-27466704; plus strand). Cytogenetic location: 2p23.3.
Variant type: single nucleotide variant.
Coding change: c.6587A>G on transcript NM_004341.5 (MANE Select); coding-DNA position 6587, A replaced by G.
Protein change: p.Asp2196Gly; replaces aspartic acid 2196 with glycine.
Molecular consequence: missense variant.
Genome position (GRCh38, 1-based): chr2:27,243,427, A>G. VCF-style: chr2-27243427-A-G. GRCh37 (hg19) VCF-style: chr2-27466295-A-G.
Other names: c.6398A>G, p.Asp2133Gly (NM_001306079.2); c.6587A>G (NM_004341.3); short protein forms D2133G, D2196G.
Identifiers: ClinVar variation 1418133 (VCV001418133.4), dbSNP rs1176258893, ClinGen allele CA346225416.

ClinVar aggregate classification (germline): Uncertain significance. Review status: criteria provided, multiple submitters, no conflicts (2 of 4 stars). 2 submissions from 2 submitters: Uncertain significance (2). Last evaluated 2025-07-12.

Conditions:
Inborn genetic diseases. Identifiers: MedGen C0950123, MeSH D030342.

Allele frequency attached by ClinVar (database versions not stated): gnomAD exomes 0.00001; gnomAD 0.00003.

Submissions (2):

Ambry Genetics
Classification: Uncertain significance for Inborn genetic diseases. Last evaluated: 2025-07-12. Review status: criteria provided, single submitter. Criteria: Ambry Variant Classification Scheme 2023. Collection method: clinical testing. Allele origin: germline.

Labcorp Genetics (formerly Invitae), Labcorp
Classification: Uncertain significance. Last evaluated: 2022-08-20. Review status: criteria provided, single submitter. Criteria: Invitae Variant Classification Sherloc (09022015). Collection method: clinical testing. Allele origin: germline.
Comment: This sequence change replaces aspartic acid, which is acidic and polar, with glycine, which is neutral and non-polar, at codon 2196 of the CAD protein (p.Asp2196Gly). The frequency data for this variant in the population databases is considered unreliable, as metrics indicate poor data quality at this position in the gnomAD database. This variant has not been reported in the literature in individuals affected with CAD-related conditions. ClinVar contains an entry for this variant (Variation ID: 1418133). Algorithms developed to predict the effect of missense changes on protein structure and function are either unavailable or do not agree on the potential impact of this missense change (SIFT: "Deleterious"; PolyPhen-2: "Probably Damaging"; Align-GVGD: "Class C0"). In summary, the available evidence is currently insufficient to determine the role of this variant in disease. Therefore, it has been classified as a Variant of Uncertain Significance.